The following is an entry in ClinVar:

NM_025137.4(SPG11):c.6784A>G (p.Lys2262Glu)

Gene: SPG11 (SPG11 vesicle trafficking associated, spatacsin; minus strand). Cytogenetic location: 15q21.1.
Variant type: single nucleotide variant.
Coding change: c.6784A>G on transcript NM_025137.4 (MANE Select); coding-DNA position 6784, A replaced by G.
Protein change: p.Lys2262Glu; replaces lysine 2262 with glutamic acid.
Molecular consequence: missense variant.
Genome position (GRCh38, 1-based): chr15:44,566,276, T>C on the plus strand (A>G on the coding strand, the complement: SPG11 is on the minus strand). VCF-style: chr15-44566276-T-C. GRCh37 (hg19) VCF-style: chr15-44858474-T-C.
Other names: c.6445A>G, p.Lys2149Glu (NM_001160227.2); short protein forms K2149E, K2262E.
Identifiers: ClinVar variation 1524428 (VCV001524428.3), dbSNP rs2140914382, ClinGen allele CA392213838.

ClinVar aggregate classification (germline): Uncertain significance (1 of 4 stars; one submission).

Conditions:
Hereditary spastic paraplegia 11. Also called: Spastic Paraplegia 11; SPASTIC PARAPLEGIA, AUTOSOMAL RECESSIVE, COMPLICATED, WITH THIN CORPUS CALLOSUM; SPASTIC PARAPLEGIA, AUTOSOMAL RECESSIVE, WITH MENTAL IMPAIRMENT AND THIN CORPUS CALLOSUM; Nakamura Osame syndrome; Autosomal recessive hereditary spastic paraplegia, mental impairment, and thin corpus callosum; Spastic paraplegia, mental retardation and thin corpus callosum. Identifiers: Orphanet 2822, MedGen C1858479, MONDO:0011445, OMIM 604360.

Submission:

Labcorp Genetics (formerly Invitae), Labcorp
Classification: Uncertain significance for Hereditary spastic paraplegia 11. Last evaluated: 2021-11-14. Review status: criteria provided, single submitter. Criteria: Invitae Variant Classification Sherloc (09022015). Collection method: clinical testing. Allele origin: germline.
Comment: This sequence change replaces lysine, which is basic and polar, with glutamic acid, which is acidic and polar, at codon 2262 of the SPG11 protein (p.Lys2262Glu). This variant is not present in population databases (gnomAD no frequency). This variant has not been reported in the literature in individuals affected with SPG11-related conditions. Algorithms developed to predict the effect of missense changes on protein structure and function are either unavailable or do not agree on the potential impact of this missense change (SIFT: "Tolerated"; PolyPhen-2: "Possibly Damaging"; Align-GVGD: "Class C0"). In summary, the available evidence is currently insufficient to determine the role of this variant in disease. Therefore, it has been classified as a Variant of Uncertain Significance.